The following is an entry in ClinVar:

NM_006904.7(PRKDC):c.11379T>C (p.Val3793=)

Gene: PRKDC (protein kinase, DNA-activated, catalytic subunit; minus strand). Cytogenetic location: 8q11.21.
Variant type: single nucleotide variant.
Coding change: c.11379T>C on transcript NM_006904.7 (MANE Select); coding-DNA position 11379, T replaced by C.
Protein change: p.Val3793=; no amino-acid change (valine 3793 retained).
Molecular consequence: synonymous variant.
Genome position (GRCh38, 1-based): chr8:47,782,395, A>G on the plus strand (T>C on the coding strand, the complement: PRKDC is on the minus strand). VCF-style: chr8-47782395-A-G. GRCh37 (hg19) VCF-style: chr8-48694956-A-G.
Other names: c.11379T>C, p.Val3793= (NM_001081640.2).
Identifiers: ClinVar variation 542033 (VCV000542033.14), dbSNP rs55769154, ClinGen allele CA4739108.
Genomic context (GRCh38, chr8:47,782,395, plus strand): 5'-CAATATGCAGCAGCCTACTGGCTGGGAGCAGCCTGGCAGTTACCTGGAGGTCATGGGCAC[A>G]ACGCTATAGGTCCTCAGCTGCAGGGCCCTCTGGCTGCAGGCGGAGTCTTGGGCCAGGATC-3'
Protein context (NP_008835.5, residues 3783-3803): QRALQLRTYS[Val3793=]VPMTSRLGLI

ClinVar aggregate classification (germline): Benign/Likely benign. Review status: criteria provided, multiple submitters, no conflicts (2 of 4 stars). 3 submissions from 3 submitters: Benign (1); Likely benign (2). Last evaluated 2026-06-01.

Conditions:
Severe combined immunodeficiency due to DNA-PKcs deficiency. Also called: IMMUNODEFICIENCY 26 WITH NEUROLOGIC ABNORMALITIES; Immunodeficiency 26 with or without neurologic abnormalities. Identifiers: Orphanet 317425, MedGen C4014833, MONDO:0014423, OMIM 615966.

Allele frequency attached by ClinVar (database versions not stated): gnomAD exomes 0.00040 and 0.00153; gnomAD 0.00061 and 0.00081; TOPMed 0.00090; ExAC 0.00188; 1000 Genomes Project 30x 0.00500; 1000 Genomes Project 0.00539.
gnomAD v4.1: 734 of 1,604,936 alleles (0.046%); highest among the groups gnomAD compares: East Asian, 1.5%; 6 homozygotes.

Submissions (3):

CeGaT Center for Human Genetics Tuebingen
Classification: Likely benign. Last evaluated: 2026-06-01. Review status: criteria provided, single submitter. Criteria: CeGaT Center For Human Genetics Tuebingen Variant Classification Criteria Version 2. Collection method: clinical testing. Allele origin: germline. Affected: yes. Observed: 1 variant allele.
Comment: PRKDC: BP4, BP7, BS1

Labcorp Genetics (formerly Invitae), Labcorp
Classification: Benign for Severe combined immunodeficiency due to DNA-PKcs deficiency. Last evaluated: 2026-01-28. Review status: criteria provided, single submitter. Criteria: Invitae Variant Classification Sherloc (09022015). Collection method: clinical testing. Allele origin: germline.

Blueprint Genetics
Classification: Likely benign. Last evaluated: 2024-11-21. Review status: criteria provided, single submitter. Criteria: ACMG Guidelines, 2015. Collection method: clinical testing. Allele origin: germline.